The following is an entry in ClinVar:

NM_004385.5(VCAN):c.1373A>G (p.Glu458Gly)

Gene: VCAN (versican; plus strand). Cytogenetic location: 5q14.3.
Variant type: single nucleotide variant.
Coding change: c.1373A>G on transcript NM_004385.5 (MANE Select); coding-DNA position 1373, A replaced by G.
Protein change: p.Glu458Gly; replaces glutamic acid 458 with glycine.
Molecular consequence: missense variant. On other transcripts: intron variant (2).
Genome position (GRCh38, 1-based): chr5:83,519,679, A>G. VCF-style: chr5-83519679-A-G. GRCh37 (hg19) VCF-style: chr5-82815498-A-G.
Other names: c.1373A>G, p.Glu458Gly (NM_001164098.2); c.1042+7283A>G (NM_001164097.2, NM_001126336.3); short protein forms E458G.
Identifiers: ClinVar variation 2777365 (VCV002777365.3), dbSNP rs1444991980, ClinGen allele CA360299985.

ClinVar aggregate classification (germline): Uncertain significance (1 of 4 stars; one submission).

Allele frequency attached by ClinVar (database versions not stated): gnomAD exomes below 0.00001.
gnomAD v4.1: 3 of 1,614,158 alleles (0.00019%); highest among the groups gnomAD compares: East Asian, 0.0022%; no homozygotes.

Submission:

Labcorp Genetics (formerly Invitae), Labcorp
Classification: Uncertain significance. Last evaluated: 2024-01-08. Review status: criteria provided, single submitter. Criteria: Invitae Variant Classification Sherloc (09022015). Collection method: clinical testing. Allele origin: germline.
Comment: This sequence change replaces glutamic acid, which is acidic and polar, with glycine, which is neutral and non-polar, at codon 458 of the VCAN protein (p.Glu458Gly). This variant is present in population databases (no rsID available, gnomAD 0.006%). This variant has not been reported in the literature in individuals affected with VCAN-related conditions. Algorithms developed to predict the effect of missense changes on protein structure and function output the following: SIFT: "Not Available"; PolyPhen-2: "Benign"; Align-GVGD: "Not Available". The glycine amino acid residue is found in multiple mammalian species, which suggests that this missense change does not adversely affect protein function. In summary, the available evidence is currently insufficient to determine the role of this variant in disease. Therefore, it has been classified as a Variant of Uncertain Significance.